The following is an entry in ClinVar:

ClinVar aggregate classification (germline): Uncertain significance (1 of 4 stars; one submission).

Allele frequency attached by ClinVar (database versions not stated): gnomAD exomes below 0.00001.

Submission:

Labcorp Genetics (formerly Invitae), Labcorp
Classification: Uncertain significance. Last evaluated: 2025-04-28. Review status: criteria provided, single submitter. Criteria: Invitae Variant Classification Sherloc (09022015). Collection method: clinical testing. Allele origin: germline.
Comment: This sequence change replaces glycine, which is neutral and non-polar, with aspartic acid, which is acidic and polar, at codon 281 of the POC1B protein (p.Gly281Asp). This variant is not present in population databases (gnomAD no frequency). This variant has not been reported in the literature in individuals affected with POC1B-related conditions. ClinVar contains an entry for this variant (Variation ID: 1961672). Invitae Evidence Modeling of protein sequence and biophysical properties (such as structural, functional, and spatial information, amino acid conservation, physicochemical variation, residue mobility, and thermodynamic stability) indicates that this missense variant is not expected to disrupt POC1B protein function with a negative predictive value of 80%. In summary, the available evidence is currently insufficient to determine the role of this variant in disease. Therefore, it has been classified as a Variant of Uncertain Significance.

NM_172240.3(POC1B):c.842G>A (p.Gly281Asp)

Genes: POC1B (POC1 centriolar protein B; minus strand), POC1B-DUSP6 (POC1B-DUSP6 readthrough; minus strand). Cytogenetic location: 12q21.33.
Variant type: single nucleotide variant.
Coding change: c.842G>A on transcript NM_172240.3 (MANE Select); coding-DNA position 842, G replaced by A.
Protein change: p.Gly281Asp; replaces glycine 281 with aspartic acid.
Molecular consequence: missense variant. On other transcripts: non-coding transcript variant (2).
Genome position (GRCh38, 1-based): chr12:89,467,654, C>T on the plus strand (G>A on the coding strand, the complement: POC1B is on the minus strand). VCF-style: chr12-89467654-C-T. GRCh37 (hg19) VCF-style: chr12-89861431-C-T.
Other names: c.716G>A, p.Gly239Asp (NM_001199777.2); short protein forms G281D, G239D.
Identifiers: ClinVar variation 1961672 (VCV001961672.5), dbSNP rs1882733350, ClinGen allele CA385995093.
Genomic context (GRCh38, chr12:89,467,654, plus strand): 5'-GAGGAGCTGAAAGATTTACAAACCTGTGTGTCTGCACCTCCTGATGCAAATAGCTCTCCA[C>T]CTTTTGAAAATGAAACAGTAAAGACAGGTCCCTGAGAAATAAAGGGAAATAAAGAAAAAA-3'
Protein context (NP_758440.1, residues 271-291): GPVFTVSFSK[Gly281Asp]GELFASGGAD